The following is an entry in ClinVar:

ClinVar aggregate classification (germline): Uncertain significance (1 of 4 stars; one submission).

Conditions:
Hereditary cancer-predisposing syndrome. Also called: Neoplastic Syndromes, Hereditary; Tumor predisposition; Hereditary neoplastic syndrome; Hereditary Cancer Syndrome. Identifiers: Orphanet 140162, MedGen C0027672, MeSH D009386, MONDO:0015356.

Submission:

Ambry Genetics
Classification: Uncertain significance for Hereditary cancer-predisposing syndrome. Last evaluated: 2026-07-06. Review status: criteria provided, single submitter. Criteria: Ambry Variant Classification Scheme 2023. Collection method: clinical testing. Allele origin: germline.
Comment: The c.2274_2279delCTCTGCinsATCTCT variant (also known as p.N758_A760delinsKSL), located in coding exon 16 of the MSH3 gene, results from an in-frame deletion of CTCTGC and insertion of ATCTCT at nucleotide positions 2274 to 2279. This results in the substitution of asparagine, serine and and alanine residues for lysine, serine and leucine residues at codons 758 to 760. This nucleotide position is well conserved in available vertebrate species. In addition, this variant is predicted to be deleterious by in silico analysis (Choi Y et al. PLoS ONE. 2012; 7(10):e46688). Based on the available evidence, the clinical significance of this variant remains unclear.

NM_002439.5(MSH3):c.2274_2279delinsATCTCT (p.Asn758_Ala760delinsLysSerLeu)

Gene: MSH3 (mutS homolog 3; plus strand). Cytogenetic location: 5q14.1.
Variant type: Indel.
Coding change: c.2274_2279delinsATCTCT on transcript NM_002439.5 (MANE Select); coding-DNA positions 2274 to 2279, CTCTGC replaced by ATCTCT.
Protein change: p.Asn758_Ala760delinsLysSerLeu.
Molecular consequence: missense variant.
Genome position (GRCh38, 1-based): chr5:80,775,714-80,775,719, CTCTGC replaced by ATCTCT. VCF-style: chr5-80775714-CTCTGC-ATCTCT. GRCh37 (hg19) VCF-style: chr5-80071533-CTCTGC-ATCTCT.
Identifiers: ClinVar variation 5024753 (VCV005024753.1).
Genomic context (GRCh38, chr5:80,775,714, plus strand): 5'-GTTACTTATCTAAATCTCTGTTTATTTGTATTTGTTTTAGTTTATGATAGAAATAAAGAA[CTCTGC>ATCTCT]TGTATCTTGTATACCAACTGATTGGGTAAAGGTTGGAAGGTAGGTTTAAAATAAATTTTT-3'